The following is an entry in ClinVar:

ClinVar aggregate classification (germline): Uncertain significance (1 of 4 stars; one submission).

Allele frequency attached by ClinVar (database versions not stated): gnomAD exomes below 0.00001.
gnomAD v4.1: 5 of 1,614,074 alleles (0.00031%); highest among the groups gnomAD compares: African/African-American, 0.0027%; no homozygotes.

Submission:

Ambry Genetics
Classification: Uncertain significance. Last evaluated: 2024-03-24. Review status: criteria provided, single submitter. Criteria: Ambry Variant Classification Scheme 2023. Collection method: clinical testing. Allele origin: germline.
Comment: The p.M904I variant (also known as c.2712G>C), located in coding exon 22 of the BUB1 gene, results from a G to C substitution at nucleotide position 2712. The methionine at codon 904 is replaced by isoleucine, an amino acid with highly similar properties. This amino acid position is conserved. In addition, the in silico prediction for this alteration is inconclusive. Since supporting evidence is limited at this time, the clinical significance of this alteration remains unclear.

NM_004336.5(BUB1):c.2712G>C (p.Met904Ile)

Gene: BUB1 (BUB1 mitotic checkpoint serine/threonine kinase; minus strand). Cytogenetic location: 2q13.
Variant type: single nucleotide variant.
Coding change: c.2712G>C on transcript NM_004336.5 (MANE Select); coding-DNA position 2712, G replaced by C.
Protein change: p.Met904Ile; replaces methionine 904 with isoleucine.
Molecular consequence: missense variant. On other transcripts: intron variant (1).
Genome position (GRCh38, 1-based): chr2:110,641,378, C>G on the plus strand (G>C on the coding strand, the complement: BUB1 is on the minus strand). VCF-style: chr2-110641378-C-G. GRCh37 (hg19) VCF-style: chr2-111398955-C-G.
Other names: c.2652G>C, p.Met884Ile (NM_001278616.2); c.2626-186G>C (NM_001278617.2); short protein forms M884I, M904I.
Identifiers: ClinVar variation 1795089 (VCV001795089.2), dbSNP rs2467971131, ClinGen allele CA348089673.
Genomic context (GRCh38, chr2:110,641,378, plus strand): 5'-TATGAAATTGTCTGGTTTAATGTCTCCATGAATGATTTCACAGTCATGCACTTGCTCAAT[C>G]ATGTAAAGCATTCTCATAGCAAAAGAGATGACAAGACCTTGAGGCATCACTTTTTCAGGG-3'
Protein context (NP_004327.1, residues 894-914): VISFAMRMLY[Met904Ile]IEQVHDCEII